The following is an entry in ClinVar:

ClinVar aggregate classification (germline): Pathogenic. Review status: criteria provided, multiple submitters, no conflicts (2 of 4 stars). 2 submissions from 2 submitters: Pathogenic (2). Last evaluated 2024-04-09.

Conditions:
Polycystic kidney disease 2 (PKD2). Also called: POLYCYSTIC KIDNEY DISEASE 2 WITH OR WITHOUT POLYCYSTIC LIVER DISEASE; Polycystic Kidney Disease 2, Autosomal Dominant; POLYCYSTIC KIDNEY DISEASE, ADULT, TYPE II. Identifiers: MedGen C2751306, MONDO:0013131, OMIM 613095.

Submissions (2):

Department of Pathology and Laboratory Medicine, Sinai Health System
Classification: Pathogenic for Polycystic kidney disease 2. Last evaluated: 2024-04-09. Review status: criteria provided, single submitter. Criteria: ACMG Guidelines, 2015. Collection method: clinical testing. Allele origin: germline. Affected: yes.

Athena Diagnostics
Classification: Pathogenic. Last evaluated: 2021-04-16. Review status: criteria provided, single submitter. Criteria: Athena Diagnostics criteria. Collection method: clinical testing. Allele origin: unknown.
Comment: This variant is expected to result in the loss of a functional protein. This variant has not been reported in large, multi-ethnic general populations. This variant has been identified in at least one individual with clinical features associated with this gene.

Literature cited by the submitters: PubMed 17100995 (cited by Department of Pathology and Laboratory Medicine, Sinai Health System and Athena Diagnostics).

NM_000297.4(PKD2):c.469C>T (p.Arg157Ter)

Genes: PKD2 (polycystin 2, transient receptor potential cation channel; plus strand), LOC129992813 (ATAC-STARR-seq lymphoblastoid silent region 15559; plus strand). Cytogenetic location: 4q22.1.
Variant type: single nucleotide variant.
Coding change: c.469C>T on transcript NM_000297.4 (MANE Select); coding-DNA position 469, C replaced by T.
Protein change: p.Arg157Ter; replaces arginine 157 with a stop codon.
Molecular consequence: nonsense. On other transcripts: non-coding transcript variant (1).
Genome position (GRCh38, 1-based): chr4:88,008,202, C>T. VCF-style: chr4-88008202-C-T. GRCh37 (hg19) VCF-style: chr4-88929354-C-T.
Other names: short protein forms R157*.
Identifiers: ClinVar variation 1256457 (VCV001256457.2), dbSNP rs1726249249, ClinGen allele CA357626769.